The following is an entry in ClinVar:

ClinVar aggregate classification (germline): Benign/Likely benign. Review status: criteria provided, multiple submitters, no conflicts (2 of 4 stars). 4 submissions from 4 submitters: Benign (1); Likely benign (3). Last evaluated 2025-09-27.

Conditions:
Inborn genetic diseases. Identifiers: MedGen C0950123, MeSH D030342.
Charcot-Marie-Tooth disease type 4. Also called: Charcot-Marie-Tooth disease, type IV; Charcot-Marie-Tooth, Type 4. Identifiers: Orphanet 64749, MedGen C4082197, MONDO:0018995.
Charcot-Marie-Tooth disease type 4F. Also called: Charcot-Marie-Tooth disease, demyelinating, type 4F. Identifiers: Orphanet 99952, MedGen C3540453, MONDO:0013959, OMIM 614895.
PRX-related disorder. Also called: PRX-Related Disorders; PRX-related condition.

Allele frequency attached by ClinVar (database versions not stated): gnomAD 0.00003 and 0.00019; TOPMed 0.00005; gnomAD exomes 0.00032 and 0.00072; 1000 Genomes Project 30x 0.00125; 1000 Genomes Project 0.00140; ExAC 0.00141.
gnomAD v4.1: 487 of 1,606,828 alleles (0.03%); highest among the groups gnomAD compares: South Asian, 0.51%; 5 homozygotes.

Submissions (4):

PreventionGenetics, part of Exact Sciences
Classification: Likely benign for PRX-related condition. Last evaluated: 2025-09-27. Review status: criteria provided, single submitter. Criteria: ACMG Guidelines, 2015. Collection method: clinical testing. Allele origin: germline.
Comment: This variant is classified as likely benign based on ACMG/AMP sequence variant interpretation guidelines (Richards et al. 2015 PMID: 25741868, with internal and published modifications).

Labcorp Genetics (formerly Invitae), Labcorp
Classification: Benign for Charcot-Marie-Tooth disease type 4. Last evaluated: 2025-09-22. Review status: criteria provided, single submitter. Criteria: Invitae Variant Classification Sherloc (09022015). Collection method: clinical testing. Allele origin: germline.

Ambry Genetics
Classification: Likely benign for Inborn genetic diseases. Last evaluated: 2020-10-14. Review status: criteria provided, single submitter. Criteria: Ambry Variant Classification Scheme 2023. Collection method: clinical testing. Allele origin: germline.

Illumina Laboratory Services, Illumina
Classification: Likely benign for Charcot-Marie-Tooth disease type 4F. Last evaluated: 2018-01-13. Review status: criteria provided, single submitter. Criteria: ICSL Variant Classification Criteria 13 December 2019. Collection method: clinical testing. Allele origin: germline.
Comment: This variant was observed in the ICSL laboratory as part of a predisposition screen in an ostensibly healthy population. It had not been previously curated by ICSL or reported in the Human Gene Mutation Database (HGMD: prior to June 1st, 2018), and was therefore a candidate for classification through an automated scoring system. Utilizing variant allele frequency, disease prevalence and penetrance estimates, and inheritance mode, an automated score was calculated to assess if this variant is too frequent to cause the disease. Based on the score and internal cut-off values, a variant classified as likely benign is not then subjected to further curation. The score for this variant resulted in a classification of likely benign for this disease.

NM_181882.3(PRX):c.493C>T (p.Arg165Cys)

Gene: PRX (periaxin; minus strand). Cytogenetic location: 19q13.2.
Variant type: single nucleotide variant.
Coding change: c.493C>T on transcript NM_181882.3 (MANE Select); coding-DNA position 493, C replaced by T.
Protein change: p.Arg165Cys; replaces arginine 165 with cysteine.
Molecular consequence: missense variant. On other transcripts: 3 prime UTR variant (1).
Genome position (GRCh38, 1-based): chr19:40,397,859, G>A on the plus strand (C>T on the coding strand, the complement: PRX is on the minus strand). VCF-style: chr19-40397859-G-A. GRCh37 (hg19) VCF-style: chr19-40903766-G-A.
Other names: c.*698C>T (NM_020956.2); short protein forms R165C.
Identifiers: ClinVar variation 329287 (VCV000329287.17), dbSNP rs555499679, ClinGen allele CA9444445.